The following is an entry in ClinVar:

NM_017636.4(TRPM4):c.2872_2875del (p.Asp958fs)

Gene: TRPM4 (transient receptor potential cation channel subfamily M member 4; plus strand). Cytogenetic location: 19q13.33.
Variant type: Deletion.
Coding change: c.2872_2875del on transcript NM_017636.4 (MANE Select); coding-DNA positions 2872 to 2875, 4 bases deleted (GACT; older notation c.2872_2875delGACT).
Protein change: p.Asp958fs; shifts the reading frame from aspartic acid 958.
Molecular consequence: frameshift variant.
Genome position (GRCh38, 1-based): chr19:49,200,704-49,200,707, GACT deleted; deleting any 4 consecutive bases within chr19:49,200,703-49,200,707 gives the same sequence; the c. name uses the placement nearest the transcript's 3' end. VCF-style (leftmost placement, unchanged base first): chr19-49200702-GTGAC-G. GRCh37 (hg19) VCF-style: chr19-49703959-GTGAC-G.
Other names: c.2437_2440del, p.Asp813fs (NM_001195227.2); c.2527_2530del, p.Asp843fs (NM_001321281.2); c.1264_1267del, p.Asp422fs (NM_001321282.2); c.2350_2353del, p.Asp784fs (NM_001321283.2); c.1810_1813del, p.Asp604fs (NM_001321285.2); short protein forms D843fs, D958fs, D422fs, D604fs, D784fs, D813fs.
Identifiers: ClinVar variation 3668428 (VCV003668428.2).

ClinVar aggregate classification (germline): Uncertain significance (1 of 4 stars; one submission).

Conditions:
Progressive familial heart block type IB (PFHB1B). Identifiers: Orphanet 871, MedGen C1970298, MONDO:0011474, OMIM 604559.

Submission:

Labcorp Genetics (formerly Invitae), Labcorp
Classification: Uncertain significance for Progressive familial heart block type IB. Last evaluated: 2024-10-11. Review status: criteria provided, single submitter. Criteria: Invitae Variant Classification Sherloc (09022015). Collection method: clinical testing. Allele origin: germline.
Comment: This sequence change creates a premature translational stop signal (p.Asp958Serfs*164) in the TRPM4 gene. It is expected to result in an absent or disrupted protein product. However, the current clinical and genetic evidence is not sufficient to establish whether loss-of-function variants in TRPM4 cause disease. This variant is present in population databases (no rsID available, gnomAD 0.003%). This variant has not been reported in the literature in individuals affected with TRPM4-related conditions. In summary, the available evidence is currently insufficient to determine the role of this variant in disease. Therefore, it has been classified as a Variant of Uncertain Significance.